The following is an entry in ClinVar:

ClinVar aggregate classification (germline): Uncertain significance (1 of 4 stars; one submission).

Submission:

GeneDx
Classification: Uncertain significance. Last evaluated: 2022-04-23. Review status: criteria provided, single submitter. Criteria: GeneDx Variant Classification Process June 2021. Collection method: clinical testing. Allele origin: germline. Affected: yes.
Comment: Not observed at significant frequency in large population cohorts (gnomAD); In silico analysis supports that this missense variant does not alter protein structure/function; Has not been previously published as pathogenic or benign to our knowledge

NM_031407.7(HUWE1):c.6532G>A (p.Ala2178Thr)

Gene: HUWE1 (HECT, UBA and WWE domain containing E3 ubiquitin protein ligase 1; minus strand). Cytogenetic location: Xp11.22.
Variant type: single nucleotide variant.
Coding change: c.6532G>A on transcript NM_031407.7 (MANE Select); coding-DNA position 6532, G replaced by A.
Protein change: p.Ala2178Thr; replaces alanine 2178 with threonine.
Molecular consequence: missense variant.
Genome position (GRCh38, 1-based): chrX:53,568,867, C>T on the plus strand (G>A on the coding strand, the complement: HUWE1 is on the minus strand). VCF-style: chrX-53568867-C-T. GRCh37 (hg19) VCF-style: chrX-53595827-C-T.
Other names: short protein forms A2178T.
Identifiers: ClinVar variation 1712079 (VCV001712079.2), dbSNP rs2524428833, ClinGen allele CA413164279.
Genomic context (GRCh38, chrX:53,568,867, plus strand): 5'-TGTAGAAGCTGGAGGTGGAGGGGCAGGACTCCATGATAGTACTGATGATACACATCACTG[C>T]CTGAAGCCTGGGAGAGAAGTTTTGACATCTCTATCATATGAATATAGCCATTTCTCAGGC-3'
Protein context (NP_113584.3, residues 2168-2188): ESTEKHARLQ[Ala2178Thr]VMCIISTIME